The following is an entry in ClinVar:

NM_000969.5(RPL5):c.385G>T (p.Glu129Ter)

Genes: DIPK1A (divergent protein kinase domain 1A; minus strand), RPL5 (ribosomal protein L5; plus strand). Cytogenetic location: 1p22.1.
Variant type: single nucleotide variant.
Coding change: c.385G>T on transcript NM_000969.5 (MANE Select); coding-DNA position 385, G replaced by T.
Protein change: p.Glu129Ter; replaces glutamic acid 129 with a stop codon.
Molecular consequence: nonsense. On other transcripts: non-coding transcript variant (1), intron variant (1).
Genome position (GRCh38, 1-based): chr1:92,836,250, G>T. VCF-style: chr1-92836250-G-T. GRCh37 (hg19) VCF-style: chr1-93301807-G-T.
Other names: c.475-3216C>A (NM_001252273.2); short protein forms E129*.
Identifiers: ClinVar variation 1735599 (VCV001735599.2), dbSNP rs2524457676, ClinGen allele CA341242032.
Genomic context (GRCh38, chr1:92,836,250, plus strand): 5'-CTTCTCAATAGGTTTGGCATGGACAAGATCTATGAAGGCCAAGTGGAGGTGACTGGTGAT[G>T]AATACAATGTGGAAAGCATTGATGGTCAGCCAGGTGCCTTCACCTGCTATTTGGATGCAG-3'

ClinVar aggregate classification (germline): Pathogenic (1 of 4 stars; one submission).

Conditions:
Diamond-Blackfan anemia. Also called: Aase syndrome; Blackfan Diamond syndrome; Aregenerative anemia chronic congenital; Red cell aplasia, pure hereditary; Congenital hypoplastic anemia. Identifiers: Orphanet 124, MedGen C1260899, MeSH D029503, MONDO:0015253, HP:0004810.

Submission:

Ambry Genetics
Classification: Pathogenic for Diamond-Blackfan anemia. Last evaluated: 2022-01-25. Review status: criteria provided, single submitter. Criteria: Ambry Variant Classification Scheme 2023. Collection method: clinical testing. Allele origin: germline.
Comment: The p.E129* pathogenic mutation (also known as c.385G>T), located in coding exon 5 of the RPL5 gene, results from a G to T substitution at nucleotide position 385. This changes the amino acid from a glutamic acid to a stop codon within coding exon 5. This alteration was detected as de novo in an individual with Diamond-Blackfan anemia (Roy NB et al. Br J Haematol, 2016 Oct;175:318-330). This variant is considered to be rare based on population cohorts in the Genome Aggregation Database (gnomAD). This alteration is expected to result in loss of function by premature protein truncation or nonsense-mediated mRNA decay. As such, this alteration is interpreted as a disease-causing mutation.

Literature cited by the submitters: PubMed 27432187.